The following is an entry in ClinVar:

NM_014014.5(SNRNP200):c.3314C>T (p.Ala1105Val)

Gene: SNRNP200 (small nuclear ribonucleoprotein U5 subunit 200; minus strand). Cytogenetic location: 2q11.2.
Variant type: single nucleotide variant.
Coding change: c.3314C>T on transcript NM_014014.5 (MANE Select); coding-DNA position 3314, C replaced by T.
Protein change: p.Ala1105Val; replaces alanine 1105 with valine.
Molecular consequence: missense variant.
Genome position (GRCh38, 1-based): chr2:96,287,914, G>A on the plus strand (C>T on the coding strand, the complement: SNRNP200 is on the minus strand). VCF-style: chr2-96287914-G-A. GRCh37 (hg19) VCF-style: chr2-96953652-G-A.
Other names: short protein forms A1105V.
Identifiers: ClinVar variation 2019011 (VCV002019011.4), dbSNP rs2467330865, ClinGen allele CA347672962.
Genomic context (GRCh38, chr2:96,287,914, plus strand): 5'-GGTCCTTACATGCGTTTGTCGATCATCTTGCAGAGGTTCAGGGTCTTGTCTGTAAGCTGT[G>A]CCCAACCTCGGTTCAGGACAATTTCAAATATCGCTCGCATCAACCGGCCAGCCGACTAAG-3'
Protein context (NP_054733.2, residues 1095-1115): IFEIVLNRGW[Ala1105Val]QLTDKTLNLC

ClinVar aggregate classification (germline): Uncertain significance (1 of 4 stars; one submission).

Submission:

Labcorp Genetics (formerly Invitae), Labcorp
Classification: Uncertain significance. Last evaluated: 2021-11-30. Review status: criteria provided, single submitter. Criteria: Invitae Variant Classification Sherloc (09022015). Collection method: clinical testing. Allele origin: germline.
Comment: This sequence change replaces alanine, which is neutral and non-polar, with valine, which is neutral and non-polar, at codon 1105 of the SNRNP200 protein (p.Ala1105Val). This variant is not present in population databases (gnomAD no frequency). This variant has not been reported in the literature in individuals affected with SNRNP200-related conditions. Algorithms developed to predict the effect of missense changes on protein structure and function are either unavailable or do not agree on the potential impact of this missense change (SIFT: "Deleterious"; PolyPhen-2: "Probably Damaging"; Align-GVGD: "Class C0"). Algorithms developed to predict the effect of sequence changes on RNA splicing suggest that this variant may create or strengthen a splice site. In summary, the available evidence is currently insufficient to determine the role of this variant in disease. Therefore, it has been classified as a Variant of Uncertain Significance.